The following is an entry in ClinVar:

ClinVar aggregate classification (germline): Conflicting classifications of pathogenicity. Review status: criteria provided, conflicting classifications (1 of 4 stars). 4 submissions from 4 submitters: Uncertain significance (3); Likely benign (1). Last evaluated 2025-09-06.

Conditions:
Hereditary breast ovarian cancer syndrome. Also called: Hereditary breast and ovarian cancer; Hereditary breast and/or ovarian cancer syndrome; BRCA1- and BRCA2-Associated Hereditary Breast and Ovarian Cancer; Hereditary breast and ovarian cancer syndrome; Hereditary breast and ovarian cancer syndrome (HBOC); Breast and ovarian cancer. Identifiers: Orphanet 145, MedGen C0677776, MeSH D061325, MONDO:0003582. Disease mechanism: loss of function.
Hereditary cancer-predisposing syndrome. Also called: Tumor predisposition; Hereditary Cancer Syndrome; Hereditary neoplastic syndrome; Neoplastic Syndromes, Hereditary. Identifiers: Orphanet 140162, MedGen C0027672, MeSH D009386, MONDO:0015356.
BRCA1-related cancer predisposition. Identifiers: MedGen CN377757, MONDO:0700268.

Allele frequency attached by ClinVar (database versions not stated): gnomAD exomes below 0.00001.
gnomAD v4.1: 2 of 1,614,150 alleles (0.00012%); highest among the groups gnomAD compares: Admixed American, 0.0017%; no homozygotes.

Submissions (4):

Ambry Genetics
Classification: Uncertain significance for Hereditary cancer-predisposing syndrome. Last evaluated: 2025-09-06. Review status: criteria provided, single submitter. Criteria: Ambry Variant Classification Scheme 2023. Collection method: clinical testing. Allele origin: germline.
Comment: The p.E1210G variant (also known as c.3629A>G), located in coding exon 9 of the BRCA1 gene, results from an A to G substitution at nucleotide position 3629. The glutamic acid at codon 1210 is replaced by glycine, an amino acid with similar properties. This variant was detected in a cohort of 251 German families with breast and/or ovarian cancer (Meyer P et al. Hum Mutat, 2003 Sep;22:259). This alteration was predicted to be neutral by one model developed to predict pathogenicity of single nucleotide variants using gene-specific attributes and classifiers (Wang M et al. Sci Rep, 2016 08;6:31321). This amino acid position is well conserved in available vertebrate species. In addition, the in silico prediction for this alteration is inconclusive. Since supporting evidence is limited at this time, the clinical significance of this alteration remains unclear.

Labcorp Genetics (formerly Invitae), Labcorp
Classification: Uncertain significance for Hereditary breast ovarian cancer syndrome. Last evaluated: 2024-11-07. Review status: criteria provided, single submitter. Criteria: Invitae Variant Classification Sherloc (09022015). Collection method: clinical testing. Allele origin: germline.
Comment: This sequence change replaces glutamic acid, which is acidic and polar, with glycine, which is neutral and non-polar, at codon 1210 of the BRCA1 protein (p.Glu1210Gly). This variant is present in population databases (no rsID available, gnomAD 0.003%). This missense change has been observed in individual(s) with breast and/or ovarian cancer (PMID: 12938098). This variant is also known as c.3748A>G (E1210G). ClinVar contains an entry for this variant (Variation ID: 409341). Invitae Evidence Modeling of protein sequence and biophysical properties (such as structural, functional, and spatial information, amino acid conservation, physicochemical variation, residue mobility, and thermodynamic stability) indicates that this missense variant is expected to disrupt BRCA1 protein function with a positive predictive value of 80%. In summary, the available evidence is currently insufficient to determine the role of this variant in disease. Therefore, it has been classified as a Variant of Uncertain Significance.

All of Us Research Program, National Institutes of Health
Classification: Uncertain significance for BRCA1-related cancer predisposition. Last evaluated: 2024-08-06. Review status: criteria provided, single submitter. Criteria: ACMG Guidelines, 2015. Collection method: clinical testing. Allele origin: germline. Inheritance: Autosomal dominant inheritance. Observed: 1 variant allele, 1 heterozygote.
Comment: This study involves interpretation of variants in research participants for the purpose of population health screening. Participant phenotype was not available at the time of variant classification. Additional details can be found in publication PMID: 35346344, PMCID: PMC8962531

University of Washington Department of Laboratory Medicine, University of Washington
Classification: Likely benign for Hereditary cancer-predisposing syndrome. Last evaluated: 2023-03-23. Review status: criteria provided, single submitter. Criteria: Dines et al. (Genet Med. 2020). Collection method: curation. Allele origin: germline.
Comment: Missense variant in a coldspot region where missense variants are very unlikely to be pathogenic (PMID:31911673).

BRCA1 coldspot (exon 11 using historical exon numbering). Reclassification based on statistical prior probability

Literature cited by the submitters: PubMed 12938098 (cited by Ambry Genetics and Labcorp Genetics (formerly Invitae), Labcorp); PubMed 27527004 (cited by Ambry Genetics).

NM_007294.4(BRCA1):c.3629A>G (p.Glu1210Gly)

Genes: BRCA1 (BRCA1 DNA repair associated; minus strand), LOC126862571 (BRD4-independent group 4 enhancer GRCh37_chr17:41243136-41244335; plus strand). Cytogenetic location: 17q21.31.
Variant type: single nucleotide variant.
Coding change: c.3629A>G on transcript NM_007294.4 (MANE Select); coding-DNA position 3629, A replaced by G.
Protein change: p.Glu1210Gly; replaces glutamic acid 1210 with glycine.
Molecular consequence: missense variant. On other transcripts: intron variant (135).
Genome position (GRCh38, 1-based): chr17:43,091,902, T>C on the plus strand (A>G on the coding strand, the complement: BRCA1 is on the minus strand). VCF-style: chr17-43091902-T-C. GRCh37 (hg19) VCF-style: chr17-41243919-T-C.
Other names: c.3548A>G, p.Glu1183Gly (NM_001407661.1, NM_001407662.1, NM_001407659.1 and 1 more transcripts); c.785-870A>G (NM_001408392.1, NM_001407986.1, NM_001407972.1 and 13 more transcripts); c.662-870A>G (NM_001408447.1, NM_001408433.1, NM_001408446.1 and 6 more transcripts); c.3551A>G, p.Glu1184Gly (NM_001407663.1, NM_001407653.1, NM_001407654.1 and 4 more transcripts); c.3506A>G, p.Glu1169Gly (NM_001407664.1, NM_001407665.1, NM_001407666.1 and 19 more transcripts); c.3626A>G, p.Glu1209Gly (NM_001407615.1, NM_001407627.1, NM_001407628.1 and 22 more transcripts); c.3629A>G, p.Glu1210Gly (NM_001407616.1, NM_001407617.1, NM_001407618.1 and 30 more transcripts); c.3620A>G, p.Glu1207Gly (NM_001407646.1, NM_001407647.1); and 41 more; short protein forms E1210G, E1163G, E1083G, E1162G, E1169G, E1183G, E1207G, E1209G.
Identifiers: ClinVar variation 409341 (VCV000409341.25), dbSNP rs1060502347, ClinGen allele CA501050.